The following is an entry in ClinVar:

NM_001040108.2(MLH3):c.702G>C (p.Glu234Asp)

Gene: MLH3 (mutL homolog 3; minus strand). Cytogenetic location: 14q24.3.
Variant type: single nucleotide variant.
Coding change: c.702G>C on transcript NM_001040108.2 (MANE Select); coding-DNA position 702, G replaced by C.
Protein change: p.Glu234Asp; replaces glutamic acid 234 with aspartic acid.
Molecular consequence: missense variant.
Genome position (GRCh38, 1-based): chr14:75,048,954, C>G on the plus strand (G>C on the coding strand, the complement: MLH3 is on the minus strand). VCF-style: chr14-75048954-C-G. GRCh37 (hg19) VCF-style: chr14-75515657-C-G.
Other names: c.702G>C, p.Glu234Asp (NM_014381.3); short protein forms E234D.
Identifiers: ClinVar variation 1756783 (VCV001756783.5), dbSNP rs2503319579, ClinGen allele CA390449549.

ClinVar aggregate classification (germline): Uncertain significance. Review status: criteria provided, multiple submitters, no conflicts (2 of 4 stars). 2 submissions from 2 submitters: Uncertain significance (2). Last evaluated 2025-05-15.

Conditions:
Colorectal cancer, hereditary nonpolyposis, type 7. Identifiers: Orphanet 144, MedGen C1858380, MONDO:0013725, OMIM 614385.

Allele frequency attached by ClinVar (database versions not stated): gnomAD exomes 0.00001.

Submissions (2):

Labcorp Genetics (formerly Invitae), Labcorp
Classification: Uncertain significance for Colorectal cancer, hereditary nonpolyposis, type 7. Last evaluated: 2025-05-15. Review status: criteria provided, single submitter. Criteria: Invitae Variant Classification Sherloc (09022015). Collection method: clinical testing. Allele origin: germline.
Comment: This sequence change replaces glutamic acid, which is acidic and polar, with aspartic acid, which is acidic and polar, at codon 234 of the MLH3 protein (p.Glu234Asp). This variant is not present in population databases (gnomAD no frequency). This variant has not been reported in the literature in individuals affected with MLH3-related conditions. ClinVar contains an entry for this variant (Variation ID: 1756783). An algorithm developed to predict the effect of missense changes on protein structure and function (PolyPhen-2) suggests that this variant is likely to be disruptive. In summary, the available evidence is currently insufficient to determine the role of this variant in disease. Therefore, it has been classified as a Variant of Uncertain Significance.

Ambry Genetics
Classification: Uncertain significance. Last evaluated: 2023-10-11. Review status: criteria provided, single submitter. Criteria: Ambry Variant Classification Scheme 2023. Collection method: clinical testing. Allele origin: germline.
Comment: The p.E234D variant (also known as c.702G>C), located in coding exon 1 of the MLH3 gene, results from a G to C substitution at nucleotide position 702. The glutamic acid at codon 234 is replaced by aspartic acid, an amino acid with highly similar properties. This amino acid position is conserved. In addition, this alteration is predicted to be tolerated by in silico analysis. The evidence for this gene-disease relationship is limited; therefore, the clinical significance of this alteration is unclear.